The following is an entry in ClinVar:

ClinVar aggregate classification (germline): Uncertain significance (1 of 4 stars; one submission).

Submission:

Labcorp Genetics (formerly Invitae), Labcorp
Classification: Uncertain significance. Last evaluated: 2025-11-05. Review status: criteria provided, single submitter. Criteria: Invitae Variant Classification Sherloc (09022015). Collection method: clinical testing. Allele origin: germline.
Comment: This sequence change replaces glutamic acid, which is acidic and polar, with glycine, which is neutral and non-polar, at codon 412 of the PDE6B protein (p.Glu412Gly). This variant is not present in population databases (gnomAD no frequency). This variant has not been reported in the literature in individuals affected with PDE6B-related conditions. ClinVar contains an entry for this variant (Variation ID: 2862909). Invitae Evidence Modeling of protein sequence and biophysical properties (such as structural, functional, and spatial information, amino acid conservation, physicochemical variation, residue mobility, and thermodynamic stability) has been performed for this missense variant. However, the output from this modeling did not meet the statistical confidence thresholds required to predict the impact of this variant on PDE6B protein function. In summary, the available evidence is currently insufficient to determine the role of this variant in disease. Therefore, it has been classified as a Variant of Uncertain Significance.

NM_000283.4(PDE6B):c.1235A>G (p.Glu412Gly)

Gene: PDE6B (phosphodiesterase 6B; plus strand). Cytogenetic location: 4p16.3.
Variant type: single nucleotide variant.
Coding change: c.1235A>G on transcript NM_000283.4 (MANE Select); coding-DNA position 1235, A replaced by G.
Protein change: p.Glu412Gly; replaces glutamic acid 412 with glycine.
Molecular consequence: missense variant.
Genome position (GRCh38, 1-based): chr4:657,001, A>G. VCF-style: chr4-657001-A-G. GRCh37 (hg19) VCF-style: chr4-650790-A-G.
Other names: c.1235A>G, p.Glu412Gly (NM_001145291.2); c.398A>G, p.Glu133Gly (NM_001145292.2, NM_001350154.3, NM_001379246.1 and 1 more transcripts); c.80A>G, p.Glu27Gly (NM_001350155.3); short protein forms E133G, E27G, E412G.
Identifiers: ClinVar variation 2862909 (VCV002862909.3), dbSNP rs776905782, ClinGen allele CA355913499.